The following is an entry in ClinVar:

ClinVar aggregate classification (germline): Uncertain significance (1 of 4 stars; one submission).

Allele frequency attached by ClinVar (database versions not stated): TOPMed below 0.00001.
gnomAD v4.1: 11 of 1,549,560 alleles (0.00071%); highest among the groups gnomAD compares: Non-Finnish European, 0.00095%; no homozygotes.

Submission:

Labcorp Genetics (formerly Invitae), Labcorp
Classification: Uncertain significance. Last evaluated: 2026-01-16. Review status: criteria provided, single submitter. Criteria: Invitae Variant Classification Sherloc (09022015). Collection method: clinical testing. Allele origin: germline.
Comment: This sequence change replaces proline, which is neutral and non-polar, with threonine, which is neutral and polar, at codon 72 of the LOX protein (p.Pro72Thr). This variant is not present in population databases (gnomAD no frequency). This variant has not been reported in the literature in individuals affected with LOX-related conditions. ClinVar contains an entry for this variant (Variation ID: 1416947). Invitae Evidence Modeling of protein sequence and biophysical properties (such as structural, functional, and spatial information, amino acid conservation, physicochemical variation, residue mobility, and thermodynamic stability) indicates that this missense variant is not expected to disrupt LOX protein function with a negative predictive value of 95%. In summary, the available evidence is currently insufficient to determine the role of this variant in disease. Therefore, it has been classified as a Variant of Uncertain Significance.

NM_002317.7(LOX):c.214C>A (p.Pro72Thr)

Genes: LOX (lysyl oxidase; minus strand), SRFBP1 (serum response factor binding protein 1; plus strand). Cytogenetic location: 5q23.1.
Variant type: single nucleotide variant.
Coding change: c.214C>A on transcript NM_002317.7 (MANE Select); coding-DNA position 214, C replaced by A.
Protein change: p.Pro72Thr; replaces proline 72 with threonine.
Molecular consequence: missense variant.
Genome position (GRCh38, 1-based): chr5:122,077,772, G>T on the plus strand (C>A on the coding strand, the complement: LOX is on the minus strand). VCF-style: chr5-122077772-G-T. GRCh37 (hg19) VCF-style: chr5-121413467-G-T.
Other names: short protein forms P72T.
Identifiers: ClinVar variation 1416947 (VCV001416947.6), dbSNP rs1754685342, ClinGen allele CA360877524.